The following is an entry in ClinVar:

NM_005343.4(HRAS):c.445dup (p.Arg149fs)

Genes: HRAS (HRas proto-oncogene, GTPase; minus strand), LRRC56 (leucine rich repeat containing 56; plus strand). Cytogenetic location: 11p15.5.
Variant type: Duplication.
Coding change: c.445dup on transcript NM_005343.4 (MANE Select); coding-DNA position 445, one base duplicated (C; older notation c.445dupC).
Protein change: p.Arg149fs; shifts the reading frame from arginine 149.
Molecular consequence: frameshift variant.
Genome position (GRCh38, 1-based): chr11:533,458, G duplicated on the plus strand (C on the coding strand, the reverse complement: HRAS is on the minus strand); the first of 3 consecutive G bases (chr11:533,458-533,460); duplicating any one gives the same sequence. VCF-style (leftmost placement, unchanged base first): chr11-533457-C-CG. GRCh37 (hg19) VCF-style: chr11-533457-C-CG.
Other names: c.445dup, p.Arg149fs (NM_001130442.3, NM_176795.5); c.126dup, p.Gly43fs (NM_001318054.2); short protein forms G43fs, R149fs.
Identifiers: ClinVar variation 3252223 (VCV003252223.1), dbSNP rs2133986181.
Genomic context (GRCh38, chr11:533,457, plus strand): 5'-GCTGGGGCGGGGCGGGGCGGGTCCCTGGCTAGCTGTGGGGTGGAGAGCTGCCTCACCTGC[C>CG]GGGTCTTGGCCGAGGTCTCGATGTAGGGGATGCCGTAGCTTCGGGCGAGGTCCTGAGCCT-3'

ClinVar aggregate classification (germline): Uncertain significance (1 of 4 stars; one submission).

Submission:

GeneDx
Classification: Uncertain significance. Last evaluated: 2023-09-30. Review status: criteria provided, single submitter. Criteria: GeneDx Variant Classification Process June 2021. Collection method: clinical testing. Allele origin: germline. Affected: yes.
Comment: Frameshift variant predicted to result in protein truncation, as the last 41 amino acids are replaced with 13 different amino acids in a gene for which loss-of-function is not an established mechanism of disease; Not observed at significant frequency in large population cohorts (gnomAD); Has not been previously published as pathogenic or benign to our knowledge